The following is an entry in ClinVar:

NM_018368.4(LMBRD1):c.317_318del (p.Ser106fs)

Gene: LMBRD1 (LMBR1 domain containing 1; minus strand). Cytogenetic location: 6q13.
Variant type: Deletion.
Coding change: c.317_318del on transcript NM_018368.4 (MANE Select); coding-DNA positions 317 to 318, 2 bases deleted (CT; older notation c.317_318delCT).
Protein change: p.Ser106fs; shifts the reading frame from serine 106.
Molecular consequence: frameshift variant.
Genome position (GRCh38, 1-based): chr6:69,752,346-69,752,347, AG deleted on the plus strand (CT on the coding strand, the reverse complement: LMBRD1 is on the minus strand); deleting any 2 consecutive bases within chr6:69,752,346-69,752,348 gives the same sequence; the c. name uses the placement nearest the transcript's 3' end. VCF-style (leftmost placement, unchanged base first): chr6-69752345-CAG-C. GRCh37 (hg19) VCF-style: chr6-70462237-CAG-C.
Other names: c.98_99del, p.Ser33fs (NM_001363722.2, NM_001367271.1, NM_001367272.1); short protein forms S106fs, S33fs.
Identifiers: ClinVar variation 3016240 (VCV003016240.3), dbSNP rs2481411360, ClinGen allele CA2740091398.

ClinVar aggregate classification (germline): Pathogenic (1 of 4 stars; one submission).

Conditions:
Methylmalonic aciduria and homocystinuria type cblF. Also called: COBALAMIN F DISEASE; COBALAMIN, DEFECT IN LYSOSOMAL RELEASE OF; METHYLMALONIC ACIDEMIA AND HOMOCYSTINURIA, cblF TYPE; METHYLMALONIC ACIDURIA DUE TO VITAMIN B12-RELEASE DEFECT; VITAMIN B12 LYSOSOMAL RELEASE DEFECT; VITAMIN B12 STORAGE DISEASE. Identifiers: Orphanet 79284, MedGen C1848578, MONDO:0010183, OMIM 277380.

Submission:

Labcorp Genetics (formerly Invitae), Labcorp
Classification: Pathogenic for Methylmalonic aciduria and homocystinuria type cblF. Last evaluated: 2023-08-20. Review status: criteria provided, single submitter. Criteria: Invitae Variant Classification Sherloc (09022015). Collection method: clinical testing. Allele origin: germline.
Comment: For these reasons, this variant has been classified as Pathogenic. This variant has not been reported in the literature in individuals affected with LMBRD1-related conditions. This variant is not present in population databases (gnomAD no frequency). This sequence change creates a premature translational stop signal (p.Ser106Cysfs*18) in the LMBRD1 gene. It is expected to result in an absent or disrupted protein product. Loss-of-function variants in LMBRD1 are known to be pathogenic (PMID: 19136951, 21303734).

Literature cited by the submitters: PubMed 19136951; PubMed 21303734.